The following is an entry in ClinVar:

ClinVar aggregate classification (germline): Uncertain significance. Review status: criteria provided, multiple submitters, no conflicts (2 of 4 stars). 2 submissions from 2 submitters: Uncertain significance (2). Last evaluated 2024-06-17.

Conditions:
Inborn genetic diseases. Identifiers: MedGen C0950123, MeSH D030342.

Allele frequency attached by ClinVar (database versions not stated): gnomAD exomes 0.00001 and 0.00006; gnomAD 0.00005 and 0.00006; TOPMed 0.00005.
gnomAD v4.1: 107 of 1,613,304 alleles (0.0066%); highest among the groups gnomAD compares: Non-Finnish European, 0.0082%; no homozygotes.

Submissions (2):

Labcorp Genetics (formerly Invitae), Labcorp
Classification: Uncertain significance. Last evaluated: 2024-06-17. Review status: criteria provided, single submitter. Criteria: Invitae Variant Classification Sherloc (09022015). Collection method: clinical testing. Allele origin: germline.
Comment: This sequence change replaces asparagine, which is neutral and polar, with isoleucine, which is neutral and non-polar, at codon 262 of the C2CD3 protein (p.Asn262Ile). This variant is present in population databases (no rsID available, gnomAD 0.002%). This variant has not been reported in the literature in individuals affected with C2CD3-related conditions. ClinVar contains an entry for this variant (Variation ID: 1406880). An algorithm developed to predict the effect of missense changes on protein structure and function (PolyPhen-2) suggests that this variant is likely to be disruptive. In summary, the available evidence is currently insufficient to determine the role of this variant in disease. Therefore, it has been classified as a Variant of Uncertain Significance.

Ambry Genetics
Classification: Uncertain significance for Inborn genetic diseases. Last evaluated: 2022-10-18. Review status: criteria provided, single submitter. Criteria: Ambry Variant Classification Scheme 2023. Collection method: clinical testing. Allele origin: germline.

NM_001286577.2(C2CD3):c.785A>T (p.Asn262Ile)

Genes: C2CD3 (C2 domain containing 3 centriole elongation regulator; minus strand), LOC121392929 (Sharpr-MPRA regulatory region 9619; plus strand). Cytogenetic location: 11q13.4.
Variant type: single nucleotide variant.
Coding change: c.785A>T on transcript NM_001286577.2 (MANE Select); coding-DNA position 785, A replaced by T.
Protein change: p.Asn262Ile; replaces asparagine 262 with isoleucine.
Molecular consequence: missense variant.
Genome position (GRCh38, 1-based): chr11:74,138,890, T>A on the plus strand (A>T on the coding strand, the complement: C2CD3 is on the minus strand). VCF-style: chr11-74138890-T-A. GRCh37 (hg19) VCF-style: chr11-73849935-T-A.
Other names: c.785A>T, p.Asn262Ile (NM_015531.6); c.785A>T (NM_015531.4); short protein forms N262I.
Identifiers: ClinVar variation 1406880 (VCV001406880.7), dbSNP rs1440179602, ClinGen allele CA381816774.
Genomic context (GRCh38, chr11:74,138,890, plus strand): 5'-GACATCTGCTTCCGTGGAGCTCTGCCTTTCAGAGTTACAGACTCTAAACTCTGTCCTGAA[T>A]TAAGACTGTGCTGTAGTCCAAAGGAAGAATCCTTTATTGTATCAGGGTTCTCTGCAAAGC-3'
Protein context (NP_001273506.1, residues 252-272): DSSFGLQHSL[Asn262Ile]SGQSLESVTL